The following is an entry in ClinVar:

NM_031475.3(ESPN):c.451T>C (p.Phe151Leu)

Gene: ESPN (espin; plus strand). Cytogenetic location: 1p36.31.
Variant type: single nucleotide variant.
Coding change: c.451T>C on transcript NM_031475.3 (MANE Select); coding-DNA position 451, T replaced by C.
Protein change: p.Phe151Leu; replaces phenylalanine 151 with leucine.
Molecular consequence: missense variant.
Genome position (GRCh38, 1-based): chr1:6,428,382, T>C. VCF-style: chr1-6428382-T-C. GRCh37 (hg19) VCF-style: chr1-6488442-T-C.
Other names: c.451T>C, p.Phe151Leu (NM_001367473.1, NM_001367474.1); short protein forms F151L.
Identifiers: ClinVar variation 3276463 (VCV003276463.3).
Genomic context (GRCh38, chr1:6,428,382, plus strand): 5'-CCCACCGCGGCCACAGACATGGGCGCCCTGCCTATCCACTACGCTGCCGCCAAAGGAGAC[T>C]TCCCCTCCCTGAGGCTTCTCGTCGAGCACTACCCTGAGTAAGATCACCCCTCTTAAGGGG-3'
Protein context (NP_113663.2, residues 141-161): PIHYAAAKGD[Phe151Leu]PSLRLLVEHY

ClinVar aggregate classification (germline): Uncertain significance. Review status: criteria provided, multiple submitters, no conflicts (2 of 4 stars). 2 submissions from 2 submitters: Uncertain significance (2). Last evaluated 2025-03-12.

Conditions:
Inborn genetic diseases. Identifiers: MedGen C0950123, MeSH D030342.

gnomAD v4.1: 28 of 1,612,660 alleles (0.0017%); highest among the groups gnomAD compares: Non-Finnish European, 0.0022%; no homozygotes.

Submissions (2):

GeneDx
Classification: Uncertain significance. Last evaluated: 2025-03-12. Review status: criteria provided, single submitter. Criteria: GeneDx Variant Classification Process June 2021. Collection method: clinical testing. Allele origin: germline.
Comment: Not observed at significant frequency in large population cohorts (gnomAD); In silico analysis indicates that this missense variant does not alter protein structure/function; Has not been previously published as pathogenic or benign to our knowledge

Ambry Genetics
Classification: Uncertain significance for Inborn genetic diseases. Last evaluated: 2024-03-15. Review status: criteria provided, single submitter. Criteria: Ambry Variant Classification Scheme 2023. Collection method: clinical testing. Allele origin: germline.